The following is an entry in ClinVar:

NM_006031.6(PCNT):c.6616A>G (p.Thr2206Ala)

Gene: PCNT (pericentrin; plus strand). Cytogenetic location: 21q22.3.
Variant type: single nucleotide variant.
Coding change: c.6616A>G on transcript NM_006031.6 (MANE Select); coding-DNA position 6616, A replaced by G.
Protein change: p.Thr2206Ala; replaces threonine 2206 with alanine.
Molecular consequence: missense variant.
Genome position (GRCh38, 1-based): chr21:46,416,534, A>G. VCF-style: chr21-46416534-A-G. GRCh37 (hg19) VCF-style: chr21-47836448-A-G.
Other names: c.6262A>G, p.Thr2088Ala (NM_001315529.2); short protein forms T2206A, T2088A.
Identifiers: ClinVar variation 159637 (VCV000159637.29), dbSNP rs9981448, ClinGen allele CA173057.

ClinVar aggregate classification (germline): Benign/Likely benign. Review status: criteria provided, multiple submitters, no conflicts (2 of 4 stars). 7 submissions from 7 submitters: Benign (6); Likely benign (1). Last evaluated 2026-02-01.

Conditions:
Microcephalic osteodysplastic primordial dwarfism type II (MOPD2). Also called: Microcephalic osteodysplastic primordial dwarfism with tooth abnormalities; MOPD II; OSTEODYSPLASTIC PRIMORDIAL DWARFISM, TYPE II. Identifiers: Orphanet 2637, MedGen C0432246, MONDO:0008872, OMIM 210720.

Allele frequency attached by ClinVar (database versions not stated): gnomAD exomes 0.00073 and 0.00208; ExAC 0.00251; gnomAD 0.00789 and 0.00833; TOPMed 0.00893; ESP Exome Variant Server 0.00915; 1000 Genomes Project 30x 0.00953; 1000 Genomes Project 0.00998.
gnomAD v4.1: 2,316 of 1,613,728 alleles (0.14%); highest among the groups gnomAD compares: African/African-American, 2.7%; 38 homozygotes.

Submissions (7):

Labcorp Genetics (formerly Invitae), Labcorp
Classification: Benign. Last evaluated: 2026-02-01. Review status: criteria provided, single submitter. Criteria: Invitae Variant Classification Sherloc (09022015). Collection method: clinical testing. Allele origin: germline.

ARUP Laboratories, Molecular Genetics and Genomics, ARUP Laboratories
Classification: Benign for Microcephalic osteodysplastic primordial dwarfism type II. Last evaluated: 2023-09-12. Review status: criteria provided, single submitter. Criteria: ARUP Molecular Germline Variant Investigation Process 2024. Collection method: clinical testing. Allele origin: germline.

Fulgent Genetics
Classification: Likely benign for Microcephalic osteodysplastic primordial dwarfism type II. Last evaluated: 2021-09-13. Review status: criteria provided, single submitter. Criteria: ACMG Guidelines, 2015. Collection method: clinical testing. Allele origin: unknown.

Illumina Laboratory Services, Illumina
Classification: Benign for Microcephalic osteodysplastic primordial dwarfism type II. Last evaluated: 2018-01-12. Review status: criteria provided, single submitter. Criteria: ICSL Variant Classification Criteria 13 December 2019. Collection method: clinical testing. Allele origin: germline.
Comment: This variant was observed in the ICSL laboratory as part of a predisposition screen in an ostensibly healthy population. It had not been previously curated by ICSL or reported in the Human Gene Mutation Database (HGMD: prior to June 1st, 2018), and was therefore a candidate for classification through an automated scoring system. Utilizing variant allele frequency, disease prevalence and penetrance estimates, and inheritance mode, an automated score was calculated to assess if this variant is too frequent to cause the disease. Based on the score and internal cut-off values, a variant classified as benign is not then subjected to further curation. The score for this variant resulted in a classification of benign for this disease.

GeneDx
Classification: Benign. Last evaluated: 2015-03-03. Review status: criteria provided, single submitter. Criteria: GeneDx Variant Classification Process June 2021. Collection method: clinical testing. Allele origin: germline. Affected: yes.

Genetic Services Laboratory, University of Chicago
Classification: Benign. Last evaluated: 2013-02-08. Review status: criteria provided, single submitter. Criteria: ACMG Guidelines, 2007. Collection method: clinical testing. Allele origin: germline. Inheritance: Autosomal recessive inheritance.

Breakthrough Genomics
Classification: Benign. Review status: criteria provided, single submitter. Criteria: ACMG Guidelines, 2015. Collection method: not provided. Allele origin: germline. Inheritance: Autosomal recessive inheritance. Affected: yes.